The following is an entry in ClinVar:

NM_000059.4(BRCA2):c.6058G>A (p.Glu2020Lys)

Gene: BRCA2 (BRCA2 DNA repair associated; plus strand). Cytogenetic location: 13q13.1.
Variant type: single nucleotide variant.
Coding change: c.6058G>A on transcript NM_000059.4 (MANE Select); coding-DNA position 6058, G replaced by A.
Protein change: p.Glu2020Lys; replaces glutamic acid 2020 with lysine.
Molecular consequence: missense variant.
Genome position (GRCh38, 1-based): chr13:32,340,413, G>A. VCF-style: chr13-32340413-G-A. GRCh37 (hg19) VCF-style: chr13-32914550-G-A.
Other names: p.E2020K:GAA>AAA; short protein forms E2020K.
Identifiers: ClinVar variation 126088 (VCV000126088.38), dbSNP rs80358842, ClinGen allele CA023575.

ClinVar aggregate classification (germline): Conflicting classifications of pathogenicity. Review status: criteria provided, conflicting classifications (1 of 4 stars). 16 submissions from 16 submitters: Uncertain significance (4); Likely benign (6). 6 of the submissions do not count toward it. Last evaluated 2026-09-23.

Conditions:
BRCA2-related disorder. Also called: BRCA2-related condition; BRCA2-related disorders. Identifiers: MedGen CN239275.
Hereditary cancer-predisposing syndrome. Also called: Neoplastic Syndromes, Hereditary; Tumor predisposition; Hereditary Cancer Syndrome; Hereditary neoplastic syndrome. Identifiers: Orphanet 140162, MedGen C0027672, MeSH D009386, MONDO:0015356.
Hereditary breast ovarian cancer syndrome. Also called: BRCA1- and BRCA2-Associated Hereditary Breast and Ovarian Cancer; Hereditary breast and ovarian cancer; Hereditary breast and ovarian cancer syndrome; Hereditary breast and ovarian cancer syndrome (HBOC); Breast and ovarian cancer; Hereditary breast and/or ovarian cancer syndrome. Identifiers: Orphanet 145, MedGen C0677776, MeSH D061325, MONDO:0003582. Disease mechanism: loss of function.
Breast-ovarian cancer, familial, susceptibility to, 2 (BROVCA2). Also called: BRCA2 Hereditary Breast and Ovarian Cancer. Identifiers: Orphanet 145, MedGen C2675520, MONDO:0012933, OMIM 612555. Disease mechanism: loss of function.
Malignant tumor of breast. Also called: Cancer breast; Malignant breast neoplasm. Identifiers: MedGen C0006142, MONDO:0007254. Disease mechanism: loss of function.

Allele frequency attached by ClinVar (database versions not stated): ExAC 0.00001; TOPMed 0.00001; gnomAD 0.00004.
gnomAD v4.1: 37 of 1,613,490 alleles (0.0023%); highest among the groups gnomAD compares: African/African-American, 0.004%; no homozygotes.

Submissions 1 to 9 of 16:

PreventionGenetics, part of Exact Sciences
Classification: Likely benign for BRCA2-related condition. Last evaluated: 2026-09-23. Review status: criteria provided, single submitter. Criteria: ACMG Guidelines, 2015. Collection method: clinical testing. Allele origin: germline.
Comment: This variant is classified as likely benign based on ACMG/AMP sequence variant interpretation guidelines (Richards et al. 2015 PMID: 25741868, with internal and published modifications).

Labcorp Genetics (formerly Invitae), Labcorp
Classification: Likely benign for Hereditary breast ovarian cancer syndrome. Last evaluated: 2025-12-16. Review status: criteria provided, single submitter. Criteria: Invitae Variant Classification Sherloc (09022015). Collection method: clinical testing. Allele origin: germline.

Quest Diagnostics Nichols Institute San Juan Capistrano
Classification: Uncertain significance. Last evaluated: 2025-09-10. Review status: criteria provided, single submitter. Criteria: Quest Diagnostics criteria. Collection method: clinical testing. Allele origin: unknown.
Comment: The BRCA2 c.6058G>A (p.Glu2020Lys) variant has been reported in the published literature in an individual affected with glioblastoma multiforme (PMID: 26689913 (2015)) and in individuals affected with and at high risk for breast and/or ovarian cancer (PMIDs: 11698567 (2001), 22476429 (2012), 29470806 (2018), 37306523 (2023)). In a large-scale breast cancer association study, this variant has been observed in both breast cancer cases and reportedly unaffected individuals (PMID: 33471991 (2021), see also LOVD). This variant is described to be located in a region of the BRCA2 gene that is tolerant to missense sequence changes (PMID: 31911673 (2020)), and was reported as being likely benign in a multifactorial likelihood study (PMID: 31131967 (2019)). One functional study using a colorectal cancer cell line reports this variant likely does not affect the homology directed repair function of BRCA2 protein; however, it is not clear if these results are reproducible in other cell lines (PMID: 32444794 (2020)). The frequency of this variant in the general population (Genome Aggregation Database) is uninformative in the assessment of its pathogenicity. Analysis of this variant using bioinformatics tools for the prediction of the effect of amino acid changes on protein structure and function yielded predictions that this variant is benign. Based on the available information, we are unable to determine the clinical significance of this variant.

Color Diagnostics, LLC DBA Color Health
Classification: Likely benign for Hereditary cancer-predisposing syndrome. Last evaluated: 2025-08-27. Review status: criteria provided, single submitter. Criteria: ACMG Guidelines, 2015. Collection method: clinical testing. Allele origin: germline.

Molecular Diagnostics Laboratory, Catalan Institute of Oncology
Classification: Likely benign for Hereditary cancer-predisposing syndrome. Last evaluated: 2025-07-21. Review status: criteria provided, single submitter. Criteria: ClinGen BRCA1BRCA2 ACMG Specifications BRCA2 V1.0.0. Collection method: clinical testing. Allele origin: germline.
Comment: PM2_Supporting, BP1_Strong, BP5_Moderate c.6058G>A, located in exon 11 of the BRCA2 gene, is predicted to result in the substitution of Acid Glutamic with Lysine at codon 2020, p.(Glu2020Lys). This position is outside a (potentially) clinically important functional domain and, the SpliceAI algorithm predicts no significant impact on splicing (BP1_Strong). It is not present in the population database gnomAD v2.1.1, non cancer dataset (PM2_Supporting). Reported by one calibrated study to have a partial impact on protein function, between what was observed for benign and pathogenic control variants (PMID:32444794) (PS3 and BS3 not met). This alteration was classified as likely benign based on a multifactorial likelihood analysis model that integrates clinical data (Segregation LR 0.17, Pathology LR 0.95, Co-ocurrence LR 1.07, Family history LR 0,78. Product of LRs 0,142) (PMID: 31131967)(BP5_moderate). c.6058G>A has been reported in the ClinVar database (5x likely benign, 8x of uncertain significance), but it has not been identified in the LOVD databases and remains unreviewed in the BRCA Exchange database. The c.6058G>A variant was identified in the UMD database in co-occurrence (phase unknown) with a BRCA1 frameshift variant (c.4206_4207delTA; p.His1402Glnfs*11). At present ClinVar does not describe pathogenic or likely pathogenic missense variants at this codon. Based on currently available information, the variant c.6058G>A should be considered a likely benign variant according to ClinGen-BRCA2 Guidelines v. 1.0.0.

All of Us Research Program, National Institutes of Health
Classification: Uncertain significance for Breast-ovarian cancer, familial, susceptibility to, 2. Last evaluated: 2023-08-23. Review status: criteria provided, single submitter. Criteria: ACMG Guidelines, 2015. Collection method: clinical testing. Allele origin: germline. Inheritance: Autosomal dominant inheritance. Observed: 3 variant alleles, 3 heterozygotes.
Comment: This missense variant replaces glutamic acid with lysine at codon 2020 of the BRCA2 protein. Computational prediction suggests that this variant may not impact protein structure and function (internally defined REVEL score threshold <= 0.5, PMID: 27666373). A functional study has shown that this variant has no impact on sensitivity to PARP inhibitors (PMID: 32444794). This variant has been reported in individuals affected with breast and/or ovarian cancer, and prostate cancer (PMID: 11698567, 22476429, 29470806, 31214711). In a large breast cancer case-control study conducted by the BRIDGES consortium, this variant was reported in 2/60466 cases and 4/53461 unaffected controls (PMID: 33471991; Leiden Open Variation Database DB-ID BRCA2_001098). This variant has been reported in a multifactorial analysis with segregation, tumor pathology, co-occurrence and family history likelihood ratios for pathogenicity of 0.1762, 0.9523, 1.0757 and 0.786, respectively (PMID: 31131967). This variant has been identified in 1/245768 chromosomes in the general population by the Genome Aggregation Database (gnomAD). The available evidence is insufficient to determine the role of this variant in disease conclusively. Therefore, this variant is classified as a Variant of Uncertain Significance.

This study involves interpretation of variants in research participants for the purpose of population health screening. Participant phenotype was not available at the time of variant classification. Additional details can be found in publication PMID: 35346344, PMCID: PMC8962531

University of Washington Department of Laboratory Medicine, University of Washington
Classification: Likely benign for Hereditary cancer-predisposing syndrome. Last evaluated: 2023-03-23. Review status: criteria provided, single submitter. Criteria: Dines et al. (Genet Med. 2020). Collection method: curation. Allele origin: germline.
Comment: Missense variant in a coldspot region where missense variants are very unlikely to be pathogenic (PMID:31911673).

BRCA2 exon 11 coldspot. Reclassification based on statistical prior probability.

GeneDx
Classification: Uncertain significance. Last evaluated: 2023-02-13. Review status: criteria provided, single submitter. Criteria: GeneDx Variant Classification Process June 2021. Collection method: clinical testing. Allele origin: germline. Affected: yes.
Comment: Published functional studies demonstrate no damaging effect: variant classified as likely normal in a PARP inhibitor assay (Ikegami et al., 2020); In silico analysis supports that this missense variant has a deleterious effect on protein structure/function; Not observed at significant frequency in large population cohorts (gnomAD); Also known as 6286G>A; This variant is associated with the following publications: (PMID: 11698567, 26689913, 22476429, 31131967, 29470806, 32444794)

Ambry Genetics
Classification: Likely benign for Hereditary cancer-predisposing syndrome. Last evaluated: 2021-05-28. Review status: criteria provided, single submitter. Criteria: Ambry Variant Classification Scheme 2023. Collection method: clinical testing. Allele origin: germline.